The following is an entry in ClinVar:

NM_013338.5(ALG5):c.562-7C>T

Gene: ALG5 (ALG5 dolichyl-phosphate beta-glucosyltransferase; minus strand). Cytogenetic location: 13q13.3.
Variant type: single nucleotide variant.
Coding change: c.562-7C>T on transcript NM_013338.5 (MANE Select); 7 bases into the intron before coding-DNA position 562, C replaced by T.
Molecular consequence: intron variant.
Genome position (GRCh38, 1-based): chr13:36,972,043, G>A on the plus strand (C>T on the coding strand, the complement: ALG5 is on the minus strand). VCF-style: chr13-36972043-G-A. GRCh37 (hg19) VCF-style: chr13-37546180-G-A.
Other names: c.472-7C>T (NM_001142364.1).
Identifiers: ClinVar variation 4985199 (VCV004985199.1).

ClinVar aggregate classification (germline): Likely benign (1 of 4 stars; one submission).

Conditions:
ALG5-related disorder. Also called: ALG5-related condition.

gnomAD v4.1: 16 of 1,583,040 alleles (0.001%); highest among the groups gnomAD compares: Non-Finnish European, 0.0014%; no homozygotes.

Submission:

PreventionGenetics, part of Exact Sciences
Classification: Likely benign for ALG5-related condition. Last evaluated: 2026-09-14. Review status: criteria provided, single submitter. Criteria: ACMG Guidelines, 2015. Collection method: clinical testing. Allele origin: germline.
Comment: This variant is classified as likely benign based on ACMG/AMP sequence variant interpretation guidelines (Richards et al. 2015 PMID: 25741868, with internal and published modifications).